The following is an entry in ClinVar:

NM_002941.4(ROBO1):c.4282+5G>A

Gene: ROBO1 (roundabout guidance receptor 1; minus strand). Cytogenetic location: 3p12.3.
Variant type: single nucleotide variant.
Coding change: c.4282+5G>A on transcript NM_002941.4 (MANE Select); 5 bases into the intron after coding-DNA position 4282, G replaced by A.
Molecular consequence: intron variant.
Genome position (GRCh38, 1-based): chr3:78,617,630, C>T on the plus strand (G>A on the coding strand, the complement: ROBO1 is on the minus strand). VCF-style: chr3-78617630-C-T. GRCh37 (hg19) VCF-style: chr3-78666780-C-T.
Other names: c.3982+5G>A (NM_001145845.2); c.4147+5G>A (NM_133631.4).
Identifiers: ClinVar variation 3640112 (VCV003640112.2).

ClinVar aggregate classification (germline): Uncertain significance (1 of 4 stars; one submission).

Submission:

Labcorp Genetics (formerly Invitae), Labcorp
Classification: Uncertain significance. Last evaluated: 2024-02-11. Review status: criteria provided, single submitter. Criteria: Invitae Variant Classification Sherloc (09022015). Collection method: clinical testing. Allele origin: germline.
Comment: This sequence change falls in intron 27 of the ROBO1 gene. It does not directly change the encoded amino acid sequence of the ROBO1 protein. It affects a nucleotide within the consensus splice site. This variant is not present in population databases (gnomAD no frequency). This variant has not been reported in the literature in individuals affected with ROBO1-related conditions. Variants that disrupt the consensus splice site are a relatively common cause of aberrant splicing (PMID: 17576681, 9536098). Algorithms developed to predict the effect of sequence changes on RNA splicing suggest that this variant may disrupt the consensus splice site. In summary, the available evidence is currently insufficient to determine the role of this variant in disease. Therefore, it has been classified as a Variant of Uncertain Significance.

Literature cited by the submitters: PubMed 17576681; PubMed 9536098.